The following is an entry in ClinVar:

NM_152564.5(VPS13B):c.2609C>T (p.Ser870Phe)

Gene: VPS13B (vacuolar protein sorting 13 homolog B; plus strand). Cytogenetic location: 8q22.2.
Variant type: single nucleotide variant.
Coding change: c.2609C>T on transcript NM_152564.5 (MANE Select); coding-DNA position 2609, C replaced by T.
Protein change: p.Ser870Phe; replaces serine 870 with phenylalanine.
Molecular consequence: missense variant.
Genome position (GRCh38, 1-based): chr8:99,274,291, C>T. VCF-style: chr8-99274291-C-T. GRCh37 (hg19) VCF-style: chr8-100286519-C-T.
Other names: c.2609C>T, p.Ser870Phe (NM_017890.5); short protein forms S870F.
Identifiers: ClinVar variation 663760 (VCV000663760.5), dbSNP rs376044341, ClinGen allele CA4822964.
Genomic context (GRCh38, chr8:99,274,291, plus strand): 5'-AGGGCTCAATCCAGAATGTTGAATTGAAGTACTGCAGCACATCATTGGTCAAATGTGCCT[C>T]TGGGACCATGGGATCAATAAAAATTTGTGCCAAAGCCCCAGGTATGTGCAGCTGGACCGT-3'
Protein context (NP_689777.3, residues 860-880): YCSTSLVKCA[Ser870Phe]GTMGSIKICA

ClinVar aggregate classification (germline): Uncertain significance (1 of 4 stars; one submission).

Conditions:
Cohen syndrome (COH1). Also called: PEPPER SYNDROME; Cutis verticis gyrata, retinitis pigmentosa, and sensorineural deafness. Identifiers: Orphanet 193, MedGen C0265223, MONDO:0008999, OMIM 216550.

Allele frequency attached by ClinVar (database versions not stated): gnomAD exomes below 0.00001 and 0.00001; ExAC 0.00001; ESP Exome Variant Server 0.00008.
gnomAD v4.1: 5 of 1,614,118 alleles (0.00031%); highest among the groups gnomAD compares: Non-Finnish European, 0.00042%; no homozygotes.

Submission:

Labcorp Genetics (formerly Invitae), Labcorp
Classification: Uncertain significance for Cohen syndrome. Last evaluated: 2018-10-07. Review status: criteria provided, single submitter. Criteria: Invitae Variant Classification Sherloc (09022015). Collection method: clinical testing. Allele origin: germline.
Comment: Algorithms developed to predict the effect of missense changes on protein structure and function are either unavailable or do not agree on the potential impact of this missense change (SIFT: "Tolerated"; PolyPhen-2: "Possibly Damaging"; Align-GVGD: "Class C0"). This variant has not been reported in the literature in individuals with VPS13B-related disease. This variant is present in population databases (rs376044341, ExAC 0.001%). This sequence change replaces serine with phenylalanine at codon 870 of the VPS13B protein (p.Ser870Phe). The serine residue is moderately conserved and there is a large physicochemical difference between serine and phenylalanine. In summary, the available evidence is currently insufficient to determine the role of this variant in disease. Therefore, it has been classified as a Variant of Uncertain Significance.